The following is an entry in ClinVar:

NM_032043.3(BRIP1):c.2609A>G (p.His870Arg)

Gene: BRIP1 (BRCA1 interacting DNA helicase 1; minus strand). Cytogenetic location: 17q23.2.
Variant type: single nucleotide variant.
Coding change: c.2609A>G on transcript NM_032043.3 (MANE Select); coding-DNA position 2609, A replaced by G.
Protein change: p.His870Arg; replaces histidine 870 with arginine.
Molecular consequence: missense variant.
Genome position (GRCh38, 1-based): chr17:61,686,132, T>C on the plus strand (A>G on the coding strand, the complement: BRIP1 is on the minus strand). VCF-style: chr17-61686132-T-C. GRCh37 (hg19) VCF-style: chr17-59763493-T-C.
Other names: short protein forms H870R.
Identifiers: ClinVar variation 2135776 (VCV002135776.4), dbSNP rs864622201, ClinGen allele CA400481949.

ClinVar aggregate classification (germline): Uncertain significance (1 of 4 stars; one submission).

Conditions:
Familial cancer of breast. Also called: Hereditary breast cancer; hereditary breast carcinoma; BREAST CANCER, FAMILIAL. Identifiers: Orphanet 227535, MedGen C0346153, MONDO:0016419, OMIM 114480. Disease mechanism: loss of function.
Fanconi anemia complementation group J. Also called: BRIP1-Related Fanconi Anemia. Identifiers: Orphanet 84, MedGen C1836860, MONDO:0012187, OMIM 609054.

Submission:

Labcorp Genetics (formerly Invitae), Labcorp
Classification: Uncertain significance for Familial cancer of breast; Fanconi anemia complementation group J. Last evaluated: 2022-05-09. Review status: criteria provided, single submitter. Criteria: Invitae Variant Classification Sherloc (09022015). Collection method: clinical testing. Allele origin: germline.
Comment: In summary, the available evidence is currently insufficient to determine the role of this variant in disease. Therefore, it has been classified as a Variant of Uncertain Significance. Algorithms developed to predict the effect of missense changes on protein structure and function are either unavailable or do not agree on the potential impact of this missense change (SIFT: "Tolerated"; PolyPhen-2: "Probably Damaging"; Align-GVGD: "Class C0"). This variant has not been reported in the literature in individuals affected with BRIP1-related conditions. This variant is not present in population databases (gnomAD no frequency). This sequence change replaces histidine, which is basic and polar, with arginine, which is basic and polar, at codon 870 of the BRIP1 protein (p.His870Arg).